The following is an entry in ClinVar:

NM_000492.4(CFTR):c.1955A>C (p.Gln652Pro)

Gene: CFTR (CF transmembrane conductance regulator; plus strand). Cytogenetic location: 7q31.2.
Variant type: single nucleotide variant.
Coding change: c.1955A>C on transcript NM_000492.4 (MANE Select); coding-DNA position 1955, A replaced by C.
Protein change: p.Gln652Pro; replaces glutamine 652 with proline.
Molecular consequence: missense variant.
Genome position (GRCh38, 1-based): chr7:117,592,122, A>C. VCF-style: chr7-117592122-A-C. GRCh37 (hg19) VCF-style: chr7-117232176-A-C.
Other names: short protein forms Q652P.
Identifiers: ClinVar variation 2453644 (VCV002453644.2), dbSNP rs2485109566, ClinGen allele CA368978988.

ClinVar aggregate classification (germline): Uncertain significance (1 of 4 stars; one submission).

Conditions:
Cystic fibrosis (CF). Also called: MUCOVISCIDOSIS. Identifiers: Orphanet 586, MedGen C0010674, MONDO:0009061, OMIM 219700. Disease mechanism: loss of function.

Allele frequency attached by ClinVar (database versions not stated): gnomAD exomes 0.00001.
gnomAD v4.1: 20 of 1,614,064 alleles (0.0012%); highest among the groups gnomAD compares: Non-Finnish European, 0.0017%; no homozygotes.

Submission:

Ambry Genetics
Classification: Uncertain significance for Cystic fibrosis. Last evaluated: 2023-01-18. Review status: criteria provided, single submitter. Criteria: Ambry Variant Classification Scheme 2023. Collection method: clinical testing. Allele origin: germline.
Comment: The p.Q652P variant (also known as c.1955A>C), located in coding exon 14 of the CFTR gene, results from an A to C substitution at nucleotide position 1955. The glutamine at codon 652 is replaced by proline, an amino acid with similar properties. This amino acid position is conserved. In addition, the in silico prediction for this alteration is inconclusive. Since supporting evidence is limited at this time, the clinical significance of this alteration remains unclear.